The following is an entry in ClinVar:

NM_000071.3(CBS):c.667-14C>G

Gene: CBS (cystathionine beta-synthase; minus strand). Cytogenetic location: 21q22.3.
Variant type: single nucleotide variant.
Coding change: c.667-14C>G on transcript NM_000071.3 (MANE Select); 14 bases into the intron before coding-DNA position 667, C replaced by G.
Molecular consequence: intron variant.
Genome position (GRCh38, 1-based): chr21:43,065,286, G>C on the plus strand (C>G on the coding strand, the complement: CBS is on the minus strand). VCF-style: chr21-43065286-G-C. GRCh37 (hg19) VCF-style: chr21-44485396-G-C.
Other names: c.667-14C>G (NM_001320298.2, NM_001178009.3, NM_001178008.3); c.352-14C>G (NM_001321072.1).
Identifiers: ClinVar variation 1698846 (VCV001698846.7), dbSNP rs1388184910, ClinGen allele CA1022642348.

ClinVar aggregate classification (germline): Conflicting classifications of pathogenicity. Review status: criteria provided, conflicting classifications (1 of 4 stars). 2 submissions from 2 submitters: Uncertain significance (1); Likely benign (1). Last evaluated 2022-05-31.

Conditions:
HYPERHOMOCYSTEINEMIA, THROMBOTIC, CBS-RELATED. Identifiers: MedGen C3150344, OMIM 236200.
Classic homocystinuria. Also called: Homocystinuria due to Cystathionine Beta-Synthase Deficiency; HOMOCYSTINURIA WITH OR WITHOUT RESPONSE TO PYRIDOXINE; Homocystinuria due to CBS deficiency; Cystathionine beta-synthase deficiency; CBS deficiency. Identifiers: Orphanet 394, MedGen C0751202, MONDO:0009352, OMIM 236200.

Allele frequency attached by ClinVar (database versions not stated): gnomAD exomes 0.00001.

Submissions (2):

Labcorp Genetics (formerly Invitae), Labcorp
Classification: Likely benign for HYPERHOMOCYSTEINEMIA, THROMBOTIC, CBS-RELATED. Last evaluated: 2022-05-31. Review status: criteria provided, single submitter. Criteria: Invitae Variant Classification Sherloc (09022015). Collection method: clinical testing. Allele origin: germline.

Genetics and Molecular Pathology, SA Pathology
Classification: Uncertain significance for Classic homocystinuria. Last evaluated: 2020-08-24. Review status: criteria provided, single submitter. Criteria: ACMG Guidelines, 2015. Collection method: clinical testing. Allele origin: germline. Inheritance: Autosomal recessive inheritance. Affected: yes.
Comment: PM2, BP7